The following is an entry in ClinVar:

NM_005219.5(DIAPH1):c.402+12del

Gene: DIAPH1 (diaphanous related formin 1; minus strand). Cytogenetic location: 5q31.3.
Variant type: Deletion.
Coding change: c.402+12del on transcript NM_005219.5 (MANE Select); 12 bases into the intron after coding-DNA position 402, one base deleted (G; older notation c.402+12delG).
Molecular consequence: intron variant.
Genome position (GRCh38, 1-based): chr5:141,584,112, C deleted on the plus strand (G on the coding strand, the reverse complement: DIAPH1 is on the minus strand); the first of 3 consecutive C bases (chr5:141,584,112-141,584,114); deleting any one gives the same sequence. VCF-style (leftmost placement, unchanged base first): chr5-141584111-TC-T. GRCh37 (hg19) VCF-style: chr5-140963678-TC-T.
Other names: c.375+12del (NM_001079812.3); c.402+12del (NM_001314007.2).
Identifiers: ClinVar variation 163077 (VCV000163077.42), dbSNP rs555848272, ClinGen allele CA175670.

ClinVar aggregate classification (germline): Benign/Likely benign. Review status: criteria provided, multiple submitters, no conflicts (2 of 4 stars). 5 submissions from 5 submitters: Benign (2); Likely benign (3). Last evaluated 2026-09-01.

Conditions:
Autosomal dominant nonsyndromic hearing loss 1. Also called: KONIGSMARK SYNDROME; DEAFNESS, AUTOSOMAL DOMINANT 1, WITH OR WITHOUT THROMBOCYTOPENIA. Identifiers: Orphanet 90635, MedGen C1852282, MONDO:0007424, OMIM 124900.
Progressive microcephaly-seizures-cortical blindness-developmental delay syndrome. Also called: Seizures, cortical blindness, and microcephaly syndrome. Identifiers: Orphanet 477814, MedGen C5567650, MONDO:0014714, OMIM 616632.

Submissions (5):

CeGaT Center for Human Genetics Tuebingen
Classification: Likely benign. Last evaluated: 2026-09-01. Review status: criteria provided, single submitter. Criteria: CeGaT Center For Human Genetics Tuebingen Variant Classification Criteria Version 2. Collection method: clinical testing. Allele origin: germline. Affected: yes. Observed: 19 variant alleles.
Comment: DIAPH1: BS2

Labcorp Genetics (formerly Invitae), Labcorp
Classification: Benign for Progressive microcephaly-seizures-cortical blindness-developmental delay syndrome; Autosomal dominant nonsyndromic hearing loss 1. Last evaluated: 2026-01-30. Review status: criteria provided, single submitter. Criteria: Invitae Variant Classification Sherloc (09022015). Collection method: clinical testing. Allele origin: germline.

Blueprint Genetics
Classification: Likely benign. Last evaluated: 2024-11-21. Review status: criteria provided, single submitter. Criteria: ACMG Guidelines, 2015. Collection method: clinical testing. Allele origin: germline.

Laboratory for Molecular Medicine, Mass General Brigham Personalized Medicine
Classification: Benign. Last evaluated: 2014-05-01. Review status: criteria provided, single submitter. Criteria: LMM Criteria. Collection method: clinical testing. Allele origin: germline. Observed: 10 variant alleles.
Comment: 402+12delG in intron 4 of DIAPH1: This variant is not expected to have clinical significance because it is not located within the splice consensus sequence and has been identified in 1% (74/7878) of European American chromosomes and in 0.25 % (9/3678) of African American chromosomes by the NHLBI Exome Sequencing Project.

PreventionGenetics, part of Exact Sciences
Classification: Likely benign. Review status: criteria provided, single submitter. Criteria: ACMG Guidelines, 2015. Collection method: clinical testing. Allele origin: germline.